The following is an entry in ClinVar:

ClinVar aggregate classification (germline): Uncertain significance (1 of 4 stars; one submission).

gnomAD v4.1: 56 of 1,559,950 alleles (0.0036%); highest among the groups gnomAD compares: Non-Finnish European, 0.0048%; no homozygotes.

Submission:

GeneDx
Classification: Uncertain significance. Last evaluated: 2026-04-16. Review status: criteria provided, single submitter. Criteria: GeneDx Variant Classification Process June 2021. Collection method: clinical testing. Allele origin: germline.
Comment: Not observed at significant frequency in large population cohorts (gnomAD); Nonsense variant predicted to result in protein truncation or nonsense mediated decay in a gene or region of a gene for which loss of function is not a well-established mechanism of disease; Has not been previously published as pathogenic or benign to our knowledge

NM_006262.4(PRPH):c.382G>T (p.Glu128Ter)

Genes: PRPH (peripherin; plus strand), TROAP-AS1 (TROAP and PRPH antisense RNA 1; minus strand). Cytogenetic location: 12q13.12.
Variant type: single nucleotide variant.
Coding change: c.382G>T on transcript NM_006262.4 (MANE Select); coding-DNA position 382, G replaced by T.
Protein change: p.Glu128Ter; replaces glutamic acid 128 with a stop codon.
Molecular consequence: nonsense. On other transcripts: non-coding transcript variant (1).
Genome position (GRCh38, 1-based): chr12:49,295,582, G>T. VCF-style: chr12-49295582-G-T. GRCh37 (hg19) VCF-style: chr12-49689365-G-T.
Other names: short protein forms E128*.
Identifiers: ClinVar variation 5037743 (VCV005037743.1).